The following is an entry in ClinVar:

NM_001009944.3(PKD1):c.1100del (p.Val367fs)

Gene: PKD1 (polycystin 1, transient receptor potential channel interacting; minus strand). Cytogenetic location: 16p13.3.
Variant type: Deletion.
Coding change: c.1100del on transcript NM_001009944.3 (MANE Select); coding-DNA position 1100, one base deleted (T; older notation c.1100delT).
Protein change: p.Val367fs; shifts the reading frame from valine 367.
Molecular consequence: frameshift variant.
Genome position (GRCh38, 1-based): chr16:2,117,892, A deleted on the plus strand (T on the coding strand, the reverse complement: PKD1 is on the minus strand). VCF-style (leftmost placement, unchanged base first): chr16-2117891-CA-C. GRCh37 (hg19) VCF-style: chr16-2167892-CA-C.
Other names: c.1100del, p.Val367fs (NM_000296.4); c.1100delT, p.Val367Glyfs (NM_001009944.2); c.1100delT (NM_001009944.3); short protein forms V367fs.
Identifiers: ClinVar variation 3780147 (VCV003780147.3).

ClinVar aggregate classification (germline): Pathogenic. Review status: criteria provided, multiple submitters, no conflicts (2 of 4 stars). 2 submissions from 2 submitters: Pathogenic (2). Last evaluated 2025-07-07.

Conditions:
Polycystic kidney disease, adult type (PKD1). Also called: Polycystic Kidney, Autosomal Dominant; POLYCYSTIC KIDNEY DISEASE 1 WITH OR WITHOUT POLYCYSTIC LIVER DISEASE; Polycystic Kidney Disease 1, Autosomal Dominant; Polycystic kidney disease 1; Polycystic kidney disease 1, severe; POLYCYSTIC KIDNEY DISEASE, ADULT, TYPE I. Identifiers: MedGen C3149841, MONDO:0008263, OMIM 173900.

Submissions (2):

Women's Health and Genetics/Laboratory Corporation of America, LabCorp
Classification: Pathogenic for Polycystic kidney disease, adult type. Last evaluated: 2025-07-07. Review status: criteria provided, single submitter. Criteria: LabCorp Variant Classification Summary - May 2015. Collection method: clinical testing. Allele origin: germline.
Comment: Variant summary: PKD1 c.1100delT (p.Val367GlyfsX98) results in a premature termination codon, predicted to cause absence of the protein due to nonsense mediated decay, which is a commonly known mechanism for disease. The variant was absent in 102268 control chromosomes (gnomAD). To our knowledge, no occurrence of c.1100delT in individuals affected with Polycystic Kidney Disease 1 and no experimental evidence demonstrating its impact on protein function have been reported. ClinVar contains an entry for this variant (Variation ID: 3780147). Based on the evidence outlined above, the variant was classified as pathogenic.

Department of Pathology and Laboratory Medicine, Sinai Health System
Classification: Pathogenic for Polycystic kidney disease, adult type. Last evaluated: 2022-10-04. Review status: criteria provided, single submitter. Criteria: ACMG Guidelines, 2015. Collection method: clinical testing. Allele origin: germline. Affected: yes.